The following is an entry in ClinVar:

NM_000553.6(WRN):c.436A>G (p.Lys146Glu)

Gene: WRN (WRN RecQ like helicase; plus strand). Cytogenetic location: 8p12.
Variant type: single nucleotide variant.
Coding change: c.436A>G on transcript NM_000553.6 (MANE Select); coding-DNA position 436, A replaced by G.
Protein change: p.Lys146Glu; replaces lysine 146 with glutamic acid.
Molecular consequence: missense variant.
Genome position (GRCh38, 1-based): chr8:31,064,995, A>G. VCF-style: chr8-31064995-A-G. GRCh37 (hg19) VCF-style: chr8-30922511-A-G.
Other names: short protein forms K146E.
Identifiers: ClinVar variation 404011 (VCV000404011.8), dbSNP rs752014453, ClinGen allele CA4704064.

ClinVar aggregate classification (germline): Uncertain significance. Review status: criteria provided, single submitter (1 of 4 stars). 2 submissions from 2 submitters: Uncertain significance (1). 1 of the submissions does not count toward it. Last evaluated 2024-04-29.

Conditions:
WRN-related disorder. Also called: WRN-related condition.
Werner syndrome (WRN). Identifiers: Orphanet 902, MedGen C0043119, MONDO:0010196, OMIM 277700.

Allele frequency attached by ClinVar (database versions not stated): gnomAD 0.00010; TOPMed 0.00021.
gnomAD v4.1: 26 of 1,613,646 alleles (0.0016%); highest among the groups gnomAD compares: African/African-American, 0.031%; no homozygotes.

Submissions (2):

Labcorp Genetics (formerly Invitae), Labcorp
Classification: Uncertain significance for Werner syndrome. Last evaluated: 2024-04-29. Review status: criteria provided, single submitter. Criteria: Invitae Variant Classification Sherloc (09022015). Collection method: clinical testing. Allele origin: germline.
Comment: This sequence change replaces lysine, which is basic and polar, with glutamic acid, which is acidic and polar, at codon 146 of the WRN protein (p.Lys146Glu). This variant is present in population databases (rs752014453, gnomAD 0.03%). This variant has not been reported in the literature in individuals affected with WRN-related conditions. ClinVar contains an entry for this variant (Variation ID: 404011). An algorithm developed to predict the effect of missense changes on protein structure and function (PolyPhen-2) suggests that this variant is likely to be disruptive. In summary, the available evidence is currently insufficient to determine the role of this variant in disease. Therefore, it has been classified as a Variant of Uncertain Significance.

PreventionGenetics, part of Exact Sciences
Classification: Uncertain significance for WRN-related condition. Last evaluated: 2024-06-08. Review status: no assertion criteria provided. Collection method: clinical testing. Allele origin: germline. Not counted in ClinVar's aggregate classification.
Comment: The WRN c.436A>G variant is predicted to result in the amino acid substitution p.Lys146Glu. To our knowledge, this variant has not been reported in the literature. This variant is reported in 0.032% of alleles in individuals of African descent in gnomAD and is listed as uncertain in ClinVar. At this time, the clinical significance of this variant is uncertain due to the absence of conclusive functional and genetic evidence.